The following is an entry in ClinVar:

NM_001369.3(DNAH5):c.13729C>T (p.Arg4577Ter)

Gene: DNAH5 (dynein axonemal heavy chain 5; minus strand). Cytogenetic location: 5p15.2.
Variant type: single nucleotide variant.
Coding change: c.13729C>T on transcript NM_001369.3 (MANE Select); coding-DNA position 13729, C replaced by T.
Protein change: p.Arg4577Ter; replaces arginine 4577 with a stop codon.
Molecular consequence: nonsense.
Genome position (GRCh38, 1-based): chr5:13,692,130, G>A on the plus strand (C>T on the coding strand, the complement: DNAH5 is on the minus strand). VCF-style: chr5-13692130-G-A. GRCh37 (hg19) VCF-style: chr5-13692239-G-A.
Other names: c.13729C>T (NM_001369.2); short protein forms R4577*.
Identifiers: ClinVar variation 2160128 (VCV002160128.5), dbSNP rs1365275304, ClinGen allele CA359188775.

ClinVar aggregate classification (germline): Pathogenic. Review status: criteria provided, multiple submitters, no conflicts (2 of 4 stars). 2 submissions from 2 submitters: Pathogenic (2). Last evaluated 2024-04-30.

Conditions:
Primary ciliary dyskinesia. Also called: Ciliary dyskinesia. Identifiers: Orphanet 244, MedGen C0008780, MONDO:0016575, HP:0012265.

Allele frequency attached by ClinVar (database versions not stated): gnomAD 0.00001.
gnomAD v4.1: 5 of 1,613,798 alleles (0.00031%); highest among the groups gnomAD compares: Admixed American, 0.0017%; no homozygotes.

Submissions (2):

Natera, Inc.
Classification: Pathogenic for Primary ciliary dyskinesia. Last evaluated: 2024-04-30. Review status: criteria provided, single submitter. Criteria: Natera Variant Classification Schema (03/2026). Collection method: clinical testing. Allele origin: germline.
Comment: The c.13729C>T variant in DNAH5 is a nonsense variant predicted to introduce a stop codon at amino acid 4577. This variant is expected to result in nonsense mediated decay, truncation, or a dysfunctional protein product. This variant is rare in the general population with a frequency below the threshold expected for the associated phenotype(s). This variant has been observed in one or more individuals affected with the associated recessive disease, as either homozygous or compound heterozygous with a second variant (PMID: 35886035, 36864285, 29363216). Given the available evidence, this variant is classified as Pathogenic.

Labcorp Genetics (formerly Invitae), Labcorp
Classification: Pathogenic for Primary ciliary dyskinesia. Last evaluated: 2022-11-01. Review status: criteria provided, single submitter. Criteria: Invitae Variant Classification Sherloc (09022015). Collection method: clinical testing. Allele origin: germline.
Comment: For these reasons, this variant has been classified as Pathogenic. This premature translational stop signal has been observed in individual(s) with clinical features of DNAH5-related conditions (PMID: 27988889). In at least one individual the data is consistent with being in trans (on the opposite chromosome) from a pathogenic variant. It has also been observed to segregate with disease in related individuals. This variant is not present in population databases (gnomAD no frequency). This sequence change creates a premature translational stop signal (p.Arg4577*) in the DNAH5 gene. While this is not anticipated to result in nonsense mediated decay, it is expected to disrupt the last 48 amino acid(s) of the DNAH5 protein.

Literature cited by the submitters: PubMed 35886035 (cited by Natera, Inc.); PubMed 36864285 (cited by Natera, Inc.); PubMed 29363216 (cited by Natera, Inc.); PubMed 27988889 (cited by Labcorp Genetics (formerly Invitae), Labcorp).